The following is an entry in ClinVar:

ClinVar aggregate classification (germline): Likely pathogenic (1 of 4 stars; one submission).

Conditions:
Desmin-related myofibrillar myopathy (MFM1). Also called: Desmin related myopathy (former name); Desmin storage myopathy (former name); Myofibrillar myopathy 1; Desminopathy; MYOFIBRILLAR MYOPATHY WITH ARRHYTHMOGENIC RIGHT VENTRICULAR CARDIOMYOPATHY; DESMIN-RELATED MYOPATHY WITH ARRHYTHMOGENIC RIGHT VENTRICULAR CARDIOMYOPATHY. Identifiers: Orphanet 363543, Orphanet 98909, MedGen C1832370, MONDO:0011076, OMIM 601419.

Submission:

3billion
Classification: Likely pathogenic for Desmin-related myofibrillar myopathy. Last evaluated: 2022-09-01. Review status: criteria provided, single submitter. Criteria: ACMG Guidelines, 2015. Collection method: clinical testing. Allele origin: germline. Affected: yes. Observed: 1 heterozygote.
Comment: The variant is not observed in the gnomAD v2.1.1 dataset. Canonical splice site is predicted to alter splicing and result in a loss or disruption of normal protein function. Multiple pathogenic loss-of-function variants are reported downstream of the variant. Therefore, this variant is classified as Likely pathogenic according to the recommendation of ACMG/AMP guideline.

NM_001927.4(DES):c.735+2T>G

Gene: DES (desmin; plus strand). Cytogenetic location: 2q35.
Variant type: single nucleotide variant.
Coding change: c.735+2T>G on transcript NM_001927.4 (MANE Select); the canonical splice donor site of the intron after coding-DNA position 735, T replaced by G.
Molecular consequence: splice donor variant. On other transcripts: intron variant (1).
Genome position (GRCh38, 1-based): chr2:219,420,348, T>G. VCF-style: chr2-219420348-T-G. GRCh37 (hg19) VCF-style: chr2-220285070-T-G.
Other names: c.735+2T>G (NM_001382712.1, NM_001382711.1, NM_001382710.1 and 1 more transcripts); c.732+2T>G (NM_001382708.1); c.496-177T>G (NM_001382713.1).
Identifiers: ClinVar variation 1705619 (VCV001705619.1), dbSNP rs949187421, ClinGen allele CA350690699.
Genomic context (GRCh38, chr2:219,420,348, plus strand): 5'-AGCGCAGAATTGAATCTCTCAACGAGGAGATCGCGTTCCTTAAGAAAGTGCATGAAGAGG[T>G]ATACCTTGGCCCCTCTTCCTGGGGTCACTGGGCCATGGGGAAAGCAGCCGGAAAGTGGGG-3'